The following is an entry in ClinVar:

ClinVar aggregate classification (germline): Likely pathogenic (1 of 4 stars; one submission).

Conditions:
Neuromuscular disease caused by qualitative or quantitative defects of dystrophin. Also called: Qualitative or quantitative defects of dystrophin. Identifiers: Orphanet 207085, MedGen C5679787, MONDO:0016147.

Submission:

Women's Health and Genetics/Laboratory Corporation of America, LabCorp
Classification: Likely pathogenic for Neuromuscular disease caused by qualitative or quantitative defects of dystrophin. Last evaluated: 2025-02-07. Review status: criteria provided, single submitter. Criteria: LabCorp Variant Classification Summary - May 2015. Collection method: clinical testing. Allele origin: germline.
Comment: Variant summary: The variant involves the duplication of exon 11 in the DMD gene. A presumed nomenclature of c.(1149+1_1150-1)_(1331+1_1332-1)dup has been designated for the purposes of this classification. It is assumed to be a tandem duplication in direct orientation (Richardson_GIM_2018, Newman_AJHG_2015). This Copy Number Variant (CNV) is expected to alter the reading frame and predicted to result in a truncation or absence of the encoded protein due to nonsense mediated decay (NMD). The variant was absent in 16118 control chromosomes. The available data on variant occurrences in the general population are insufficient to allow any conclusion about variant significance. c.(1149+1_1150-1)_(1331+1_1332-1)dup has been reported in the literature in at least one individual affected with Ducheene muscular dystrophy (e.g., Rani_2013). These data do not allow any conclusion about variant significance. To our knowledge, no experimental evidence demonstrating an impact on protein function has been reported. The following publication has been ascertained in the context of this evaluation (PMID: 23438214). No submitters have cited clinical-significance assessments for this variant to ClinVar. Based on the evidence outlined above, the variant was classified as likely pathogenic.

Literature cited by the submitters: PubMed 23438214.

NC_000023.10:g.(32632571_32662248)_(32662431_32663080)dup

Gene: DMD (dystrophin; minus strand). Cytogenetic location: Xp21.1.
Variant type: Duplication.
Identifiers: ClinVar variation 3768698 (VCV003768698.1).